The following is an entry in ClinVar:

ClinVar aggregate classification (germline): Uncertain significance (1 of 4 stars; one submission).

Conditions:
Muscular dystrophy-dystroglycanopathy (congenital with brain and eye anomalies), type A, 7. Also called: WALKER-WARBURG SYNDROME OR MUSCLE-EYE-BRAIN DISEASE, ISPD-RELATED; Congenital muscular dystrophy-dystroglycanopathy with brain and eye anomalies, type A7. Identifiers: Orphanet 899, MedGen C3553330, MONDO:0013835, OMIM 614643.
Autosomal recessive limb-girdle muscular dystrophy type 2U. Also called: Muscular dystrophy-dystroglycanopathy (limb-girdle), type c, 7; MUSCULAR DYSTROPHY, LIMB-GIRDLE, TYPE 2U. Identifiers: Orphanet 352479, MedGen C5190987, MONDO:0014474, OMIM 616052.

Submission:

Labcorp Genetics (formerly Invitae), Labcorp
Classification: Uncertain significance for Muscular dystrophy-dystroglycanopathy (congenital with brain and eye anomalies), type A, 7; Autosomal recessive limb-girdle muscular dystrophy type 2U. Last evaluated: 2020-11-06. Review status: criteria provided, single submitter. Criteria: Invitae Variant Classification Sherloc (09022015). Collection method: clinical testing. Allele origin: germline.
Comment: This variant is not present in population databases (ExAC no frequency). This sequence change replaces asparagine with tyrosine at codon 132 of the ISPD protein (p.Asn132Tyr). The asparagine residue is highly conserved and there is a large physicochemical difference between asparagine and tyrosine. In summary, the available evidence is currently insufficient to determine the role of this variant in disease. Therefore, it has been classified as a Variant of Uncertain Significance. Algorithms developed to predict the effect of missense changes on protein structure and function (SIFT, PolyPhen-2, Align-GVGD) all suggest that this variant is likely to be disruptive, but these predictions have not been confirmed by published functional studies and their clinical significance is uncertain. This variant has not been reported in the literature in individuals with ISPD-related conditions.

NM_001101426.4(CRPPA):c.394A>T (p.Asn132Tyr)

Gene: CRPPA (CDP-L-ribitol pyrophosphorylase A; minus strand). Cytogenetic location: 7p21.2.
Variant type: single nucleotide variant.
Coding change: c.394A>T on transcript NM_001101426.4 (MANE Select); coding-DNA position 394, A replaced by T.
Protein change: p.Asn132Tyr; replaces asparagine 132 with tyrosine.
Molecular consequence: missense variant. On other transcripts: non-coding transcript variant (1).
Genome position (GRCh38, 1-based): chr7:16,406,201, T>A on the plus strand (A>T on the coding strand, the complement: CRPPA is on the minus strand). VCF-style: chr7-16406201-T-A. GRCh37 (hg19) VCF-style: chr7-16445826-T-A.
Other names: c.394A>T, p.Asn132Tyr (NM_001368197.1, NM_001101417.4); short protein forms N132Y.
Identifiers: ClinVar variation 1680792 (VCV001680792.8), dbSNP rs2128318452, ClinGen allele CA367002499.